The following is an entry in ClinVar:

NM_001042492.3(NF1):c.923C>T (p.Ala308Val)

Gene: NF1 (neurofibromin 1; plus strand). Cytogenetic location: 17q11.2.
Variant type: single nucleotide variant.
Coding change: c.923C>T on transcript NM_001042492.3 (MANE Select); coding-DNA position 923, C replaced by T.
Protein change: p.Ala308Val; replaces alanine 308 with valine.
Molecular consequence: missense variant.
Genome position (GRCh38, 1-based): chr17:31,200,456, C>T. VCF-style: chr17-31200456-C-T. GRCh37 (hg19) VCF-style: chr17-29527474-C-T.
Other names: c.923C>T, p.Ala308Val (NM_000267.4, NM_001128147.3); short protein forms A308V.
Identifiers: ClinVar variation 2862628 (VCV002862628.3), dbSNP rs876660836, ClinGen allele CA398995638.

ClinVar aggregate classification (germline): Uncertain significance (1 of 4 stars; one submission).

Conditions:
Neurofibromatosis, type 1 (NF1). Also called: Neurofibromatosis, type I; NEUROFIBROMATOSIS, TYPE I, SOMATIC; Peripheral type neurofibromatosis; VON RECKLINGHAUSEN DISEASE. Identifiers: Orphanet 636, MedGen C0027831, MONDO:0018975, OMIM 162200. Disease mechanism: loss of function.

Submission:

Labcorp Genetics (formerly Invitae), Labcorp
Classification: Uncertain significance for Neurofibromatosis, type 1. Last evaluated: 2023-05-08. Review status: criteria provided, single submitter. Criteria: Invitae Variant Classification Sherloc (09022015). Collection method: clinical testing. Allele origin: germline.
Comment: In summary, the available evidence is currently insufficient to determine the role of this variant in disease. Therefore, it has been classified as a Variant of Uncertain Significance. Advanced modeling of protein sequence and biophysical properties (such as structural, functional, and spatial information, amino acid conservation, physicochemical variation, residue mobility, and thermodynamic stability) performed at Invitae indicates that this missense variant is not expected to disrupt NF1 protein function. This variant has not been reported in the literature in individuals affected with NF1-related conditions. This variant is not present in population databases (gnomAD no frequency). This sequence change replaces alanine, which is neutral and non-polar, with valine, which is neutral and non-polar, at codon 308 of the NF1 protein (p.Ala308Val).